The following is an entry in ClinVar:

ClinVar aggregate classification (germline): Pathogenic (1 of 4 stars; one submission).

Conditions:
Autosomal dominant hypocalcemia 1 (HYPOC1). Also called: HYPOCALCEMIA, FAMILIAL. Identifiers: MedGen C3715128, MONDO:0011013, OMIM 601198.
Familial hypocalciuric hypercalcemia (FHH). Also called: Familial benign hypercalcemia. Identifiers: Orphanet 405, MedGen C1809471, MONDO:0018458.

Submission:

Labcorp Genetics (formerly Invitae), Labcorp
Classification: Pathogenic for Familial hypocalciuric hypercalcemia; Autosomal dominant hypocalcemia 1. Last evaluated: 2023-04-04. Review status: criteria provided, single submitter. Criteria: Invitae Variant Classification Sherloc (09022015). Collection method: clinical testing. Allele origin: germline.
Comment: This sequence change creates a premature translational stop signal (p.Thr372Asnfs*14) in the CASR gene. It is expected to result in an absent or disrupted protein product. Loss-of-function variants in CASR are known to be pathogenic (PMID: 11807402, 14985373, 22422767). This variant is not present in population databases (gnomAD no frequency). This variant has not been reported in the literature in individuals affected with CASR-related conditions. For these reasons, this variant has been classified as Pathogenic.

Literature cited by the submitters: PubMed 11807402; PubMed 14985373; PubMed 22422767.

NM_000388.4(CASR):c.1114dup (p.Thr372fs)

Gene: CASR (calcium sensing receptor; plus strand). Cytogenetic location: 3q21.1.
Variant type: Duplication.
Coding change: c.1114dup on transcript NM_000388.4 (MANE Select); coding-DNA position 1114, one base duplicated (A; older notation c.1114dupA).
Protein change: p.Thr372fs; shifts the reading frame from threonine 372.
Molecular consequence: frameshift variant.
Genome position (GRCh38, 1-based): chr3:122,262,149, A duplicated. VCF-style (leftmost placement, unchanged base first): chr3-122262148-C-CA. GRCh37 (hg19) VCF-style: chr3-121980995-C-CA.
Other names: c.1114dup, p.Thr372fs (NM_001178065.2); short protein forms T372fs.
Identifiers: ClinVar variation 2946116 (VCV002946116.3), dbSNP rs2473228114, ClinGen allele CA2740094565.
Genomic context (GRCh38, chr3:122,262,148, plus strand): 5'-TTGGGAAGAAACATTTAACTGCCACCTCCAAGAAGGTGCAAAAGGACCTTTACCTGTGGA[C>CA]ACCTTTCTGAGAGGTCACGAAGAAAGTGGCGACAGGTTTAGCAACAGCTCGACAGCCTTC-3'